The following is an entry in ClinVar:

NM_000492.4(CFTR):c.809A>C (p.Gln270Pro)

Gene: CFTR (CF transmembrane conductance regulator; plus strand). Cytogenetic location: 7q31.2.
Variant type: single nucleotide variant.
Coding change: c.809A>C on transcript NM_000492.4 (MANE Select); coding-DNA position 809, A replaced by C.
Protein change: p.Gln270Pro; replaces glutamine 270 with proline.
Molecular consequence: missense variant.
Genome position (GRCh38, 1-based): chr7:117,536,613, A>C. VCF-style: chr7-117536613-A-C. GRCh37 (hg19) VCF-style: chr7-117176667-A-C.
Other names: short protein forms Q270P.
Identifiers: ClinVar variation 4868822 (VCV004868822.1).

ClinVar aggregate classification (germline): Uncertain significance (1 of 4 stars; one submission).

Conditions:
Cystic fibrosis (CF). Also called: MUCOVISCIDOSIS. Identifiers: Orphanet 586, MedGen C0010674, MONDO:0009061, OMIM 219700. Disease mechanism: loss of function.

Submission:

Ambry Genetics
Classification: Uncertain significance for Cystic fibrosis. Last evaluated: 2026-03-26. Review status: criteria provided, single submitter. Criteria: Ambry Variant Classification Scheme 2023. Collection method: clinical testing. Allele origin: germline.
Comment: The p.Q270P variant (also known as c.809A>C), located in coding exon 7 of the CFTR gene, results from an A to C substitution at nucleotide position 809. The glutamine at codon 270 is replaced by proline, an amino acid with similar properties. This amino acid position is conserved. In addition, this alteration is predicted to be deleterious by in silico analysis. Based on the available evidence, the clinical significance of this variant remains unclear.